The following is an entry in ClinVar:

ClinVar aggregate classification (germline): Conflicting classifications of pathogenicity. Review status: criteria provided, conflicting classifications (1 of 4 stars). 2 submissions from 2 submitters: Likely pathogenic (1); Uncertain significance (1). Last evaluated 2025-07-21.

Conditions:
Pheochromocytoma. Also called: MAX-Related Hereditary Paraganglioma-Pheochromocytoma Syndrome. Identifiers: Orphanet 29072, MedGen C0031511, MONDO:0008233, OMIM 171300, HP:0002666.
Pheochromocytoma/paraganglioma syndrome 4. Also called: CAROTID BODY TUMORS AND MULTIPLE EXTRAADRENAL PHEOCHROMOCYTOMAS; PARAGANGLIOMA, FAMILIAL MALIGNANT; PARAGANGLIOMAS, HEREDITARY EXTRAADRENAL; PHEOCHROMOCYTOMA, FAMILIAL EXTRAADRENAL; Paragangliomas 4; SDHB-Related Hereditary Paraganglioma-Pheochromocytoma Syndrome (Paragangliomas 4). Identifiers: Orphanet 29072, MedGen C1861848, MONDO:0007273, OMIM 115310.
Gastrointestinal stromal tumor. Also called: Gastrointestinal stromal tumor, somatic; Gastrointestinal stroma tumor. Identifiers: Orphanet 44890, MedGen C0238198, MeSH D046152, MONDO:0011719, OMIM 606764, HP:0100723.
Hereditary cancer-predisposing syndrome. Also called: Hereditary Cancer Syndrome; Hereditary neoplastic syndrome; Neoplastic Syndromes, Hereditary; Tumor predisposition. Identifiers: Orphanet 140162, MedGen C0027672, MeSH D009386, MONDO:0015356.

Submissions (2):

Ambry Genetics
Classification: Likely pathogenic for Hereditary cancer-predisposing syndrome. Last evaluated: 2025-07-21. Review status: criteria provided, single submitter. Criteria: Ambry Variant Classification Scheme 2023. Collection method: clinical testing. Allele origin: germline.
Comment: The p.V140D variant (also known as c.419T>A), located in coding exon 4 of the SDHB gene, results from a T to A substitution at nucleotide position 419. The valine at codon 140 is replaced by aspartic acid, an amino acid with highly dissimilar properties. Another alteration at the same codon, p.V140F (c.418G>T), has been detected in multiple patients with a history of paraganglioma or pheochromocytoma (Prodanov T et al. Pediatr. Nephrol., 2009 Jun;24:1239-42; van Nederveen FH et al. Lancet Oncol., 2009 Aug;10:764-71; Majumdar S et al. Pediatr Blood Cancer, 2010 Mar;54:473-5; Santiago AH et al. J. Pediatr. Endocrinol. Metab., 2010 Apr;23:419-22; Schimke RN et al. Am. J. Med. Genet. A, 2010 Jun;152A:1531-5; Martucci VL et al. Urol. Oncol., 2015 Apr;33:167.e13-20; Jochmanova I et al. J. Cancer Res. Clin. Oncol., 2017 Aug;143:1421-1435; Rijken JA et al. Clin. Genet. 2018 Jan;93(1):60-66). Based on structural analysis, V140D is moderately destabilizing to the local structure (Ambry internal data). This amino acid position is highly conserved in available vertebrate species. In addition, this alteration is predicted to be deleterious by in silico analysis. This variant is considered to be rare based on population cohorts in the Genome Aggregation Database (gnomAD). Based on the majority of available evidence to date, this variant is likely to be pathogenic.

Labcorp Genetics (formerly Invitae), Labcorp
Classification: Uncertain significance for Gastrointestinal stromal tumor; Pheochromocytoma/paraganglioma syndrome 4; Pheochromocytoma. Last evaluated: 2023-06-30. Review status: criteria provided, single submitter. Criteria: Invitae Variant Classification Sherloc (09022015). Collection method: clinical testing. Allele origin: germline.
Comment: In summary, the available evidence is currently insufficient to determine the role of this variant in disease. Therefore, it has been classified as a Variant of Uncertain Significance. This variant disrupts the p.Val140 amino acid residue in SDHB. Other variant(s) that disrupt this residue have been determined to be pathogenic (PMID: 16912137, 19189136, 19802898, 19927285, 20503330, 20583550, 26236513). This suggests that this residue is clinically significant, and that variants that disrupt this residue are likely to be disease-causing. Advanced modeling of protein sequence and biophysical properties (such as structural, functional, and spatial information, amino acid conservation, physicochemical variation, residue mobility, and thermodynamic stability) performed at Invitae indicates that this missense variant is expected to disrupt SDHB protein function. This missense change has been observed in individual(s) with paraganglioma (PMID: 26269449; Invitae). This variant is not present in population databases (gnomAD no frequency). This sequence change replaces valine, which is neutral and non-polar, with aspartic acid, which is acidic and polar, at codon 140 of the SDHB protein (p.Val140Asp).

Literature cited by the submitters: PubMed 26269449 (cited by Ambry Genetics and Labcorp Genetics (formerly Invitae), Labcorp); PubMed 16912137 (cited by Labcorp Genetics (formerly Invitae), Labcorp); PubMed 19189136 (cited by Labcorp Genetics (formerly Invitae), Labcorp); PubMed 19802898 (cited by Labcorp Genetics (formerly Invitae), Labcorp); PubMed 19927285 (cited by Labcorp Genetics (formerly Invitae), Labcorp); PubMed 20503330 (cited by Labcorp Genetics (formerly Invitae), Labcorp); PubMed 20583550 (cited by Labcorp Genetics (formerly Invitae), Labcorp); PubMed 26236513 (cited by Labcorp Genetics (formerly Invitae), Labcorp).

NM_003000.3(SDHB):c.419T>A (p.Val140Asp)

Gene: SDHB (succinate dehydrogenase complex iron sulfur subunit B; minus strand). Cytogenetic location: 1p36.13.
Variant type: single nucleotide variant.
Coding change: c.419T>A on transcript NM_003000.3 (MANE Select); coding-DNA position 419, T replaced by A.
Protein change: p.Val140Asp; replaces valine 140 with aspartic acid.
Molecular consequence: missense variant. On other transcripts: intron variant (1).
Genome position (GRCh38, 1-based): chr1:17,028,604, A>T on the plus strand (T>A on the coding strand, the complement: SDHB is on the minus strand). VCF-style: chr1-17028604-A-T. GRCh37 (hg19) VCF-style: chr1-17355099-A-T.
Other names: c.369+50T>A (NM_001407361.1); short protein forms V140D.
Identifiers: ClinVar variation 2562717 (VCV002562717.6), dbSNP rs2525020268, ClinGen allele CA338273853.